The following is an entry in ClinVar:

NM_015259.6(ICOSLG):c.808G>T (p.Ala270Ser)

Gene: ICOSLG (inducible T cell costimulator ligand; minus strand). Cytogenetic location: 21q22.3.
Variant type: single nucleotide variant.
Coding change: c.808G>T on transcript NM_015259.6 (MANE Select); coding-DNA position 808, G replaced by T.
Protein change: p.Ala270Ser; replaces alanine 270 with serine.
Molecular consequence: missense variant.
Genome position (GRCh38, 1-based): chr21:44,231,334, C>A on the plus strand (G>T on the coding strand, the complement: ICOSLG is on the minus strand). VCF-style: chr21-44231334-C-A. GRCh37 (hg19) VCF-style: chr21-45651217-C-A.
Other names: c.808G>T (NM_015259.4); c.808G>T, p.Ala270Ser (NM_001283050.2, NM_001395918.1); c.457G>T, p.Ala153Ser (NM_001283051.2); c.553G>T, p.Ala185Ser (NM_001283052.2); c.727G>T, p.Ala243Ser (NM_001365759.2); short protein forms A243S, A153S, A270S, A185S.
Identifiers: ClinVar variation 1950839 (VCV001950839.6), dbSNP rs1193851481, ClinGen allele CA410613322.

ClinVar aggregate classification (germline): Uncertain significance. Review status: criteria provided, multiple submitters, no conflicts (2 of 4 stars). 2 submissions from 2 submitters: Uncertain significance (2). Last evaluated 2025-10-14.

Submissions (2):

Ambry Genetics
Classification: Uncertain significance. Last evaluated: 2025-10-14. Review status: criteria provided, single submitter. Criteria: Ambry Variant Classification Scheme 2023. Collection method: clinical testing. Allele origin: germline.

Labcorp Genetics (formerly Invitae), Labcorp
Classification: Uncertain significance. Last evaluated: 2022-08-21. Review status: criteria provided, single submitter. Criteria: Invitae Variant Classification Sherloc (09022015). Collection method: clinical testing. Allele origin: germline.
Comment: Algorithms developed to predict the effect of missense changes on protein structure and function are either unavailable or do not agree on the potential impact of this missense change (SIFT: "Tolerated"; PolyPhen-2: "Probably Damaging"; Align-GVGD: "Class C0"). In summary, the available evidence is currently insufficient to determine the role of this variant in disease. Therefore, it has been classified as a Variant of Uncertain Significance. This variant has not been reported in the literature in individuals affected with ICOSLG-related conditions. This variant is not present in population databases (gnomAD no frequency). This sequence change replaces alanine, which is neutral and non-polar, with serine, which is neutral and polar, at codon 270 of the ICOSLG protein (p.Ala270Ser).